The following is an entry in ClinVar:

ClinVar aggregate classification (germline): Uncertain significance (1 of 4 stars; one submission).

Submission:

ISCA site 15
Classification: Uncertain significance. Last evaluated: 2011-08-12. Review status: criteria provided, single submitter. Criteria: Kaminsky et al. (Genet Med. 2011). Collection method: clinical testing. Allele origin: unknown. Affected: yes. Observed: 1 variant allele.
Comment: Copy number variation identified through the course of routine clinical cytogenomic testing in postnatal populations. Clinical assertions have been curated as described in Kaminsky et al. 2011.

GRCh38/hg38 22q12.3(chr22:32940883-33084286)x3

Genes: LARGE1 (LARGE xylosyl- and glucuronyltransferase 1; minus strand), SYN3 (synapsin III; minus strand), LOC125446220 (Sharpr-MPRA regulatory region 592; plus strand). Cytogenetic location: 22q12.3.
Variant type: copy number gain.
Change: copy number 3 (three copies instead of two) of chr22:32,940,883-33,084,286 (143.4 kb, GRCh38 coordinates, 1-based), cytogenetic band 22q12.3.
Identifiers: ClinVar variation 59057 (VCV000059057.1).